The following is an entry in ClinVar:

NM_015978.3(TNNI3K):c.1795G>A (p.Asp599Asn)

Genes: FPGT-TNNI3K (FPGT-TNNI3K readthrough; plus strand), TNNI3K (TNNI3 interacting kinase; plus strand). Cytogenetic location: 1p31.1.
Variant type: single nucleotide variant.
Coding change: c.1795G>A on transcript NM_015978.3 (MANE Select); coding-DNA position 1795, G replaced by A.
Protein change: p.Asp599Asn; replaces aspartic acid 599 with asparagine.
Molecular consequence: missense variant.
Genome position (GRCh38, 1-based): chr1:74,436,102, G>A. VCF-style: chr1-74436102-G-A. GRCh37 (hg19) VCF-style: chr1-74901786-G-A.
Other names: c.2098G>A, p.Asp700Asn (NM_001112808.3, NM_001199327.2); short protein forms D599N, D700N.
Identifiers: ClinVar variation 3180532 (VCV003180532.3), dbSNP rs373700974, ClinGen allele CA24564662.
Genomic context (GRCh38, chr1:74,436,102, plus strand): 5'-TACTCAATGTCTACTTTTTTTTTTTTTTTTTTTTACAGTCACAATATTCTTCTCTATGAG[G>A]ATGGGCATGCTGTGGTGGCAGATTTTGGAGGTGAGATACCCCAAAATGGCATCCTTTTTT-3'
Protein context (NP_057062.1, residues 589-609): LNSHNILLYE[Asp599Asn]GHAVVADFGE

ClinVar aggregate classification (germline): Uncertain significance. Review status: criteria provided, multiple submitters, no conflicts (2 of 4 stars). 2 submissions from 2 submitters: Uncertain significance (2). Last evaluated 2024-09-27.

Conditions:
Inborn genetic diseases. Identifiers: MedGen C0950123, MeSH D030342.

Allele frequency attached by ClinVar (database versions not stated): gnomAD 0.00001; ESP Exome Variant Server 0.00008.
gnomAD v4.1: 2 of 1,605,904 alleles (0.00012%); highest among the groups gnomAD compares: Non-Finnish European, 0.00017%; no homozygotes.

Submissions (2):

Labcorp Genetics (formerly Invitae), Labcorp
Classification: Uncertain significance. Last evaluated: 2024-09-27. Review status: criteria provided, single submitter. Criteria: Invitae Variant Classification Sherloc (09022015). Collection method: clinical testing. Allele origin: germline.
Comment: This sequence change replaces aspartic acid, which is acidic and polar, with asparagine, which is neutral and polar, at codon 599 of the TNNI3K protein (p.Asp599Asn). This variant is present in population databases (rs373700974, gnomAD 0.0009%). This variant has not been reported in the literature in individuals affected with TNNI3K-related conditions. An algorithm developed to predict the effect of missense changes on protein structure and function (PolyPhen-2) suggests that this variant is likely to be tolerated. In summary, the available evidence is currently insufficient to determine the role of this variant in disease. Therefore, it has been classified as a Variant of Uncertain Significance.

Ambry Genetics
Classification: Uncertain significance for Inborn genetic diseases. Last evaluated: 2023-11-13. Review status: criteria provided, single submitter. Criteria: Ambry Variant Classification Scheme 2023. Collection method: clinical testing. Allele origin: germline.